The following is an entry in ClinVar:

NM_001204.7(BMPR2):c.829C>T (p.Leu277Phe)

Gene: BMPR2 (bone morphogenetic protein receptor type 2; plus strand). Cytogenetic location: 2q33.2.
Variant type: single nucleotide variant.
Coding change: c.829C>T on transcript NM_001204.7 (MANE Select); coding-DNA position 829, C replaced by T.
Protein change: p.Leu277Phe; replaces leucine 277 with phenylalanine.
Molecular consequence: missense variant.
Genome position (GRCh38, 1-based): chr2:202,519,029, C>T. VCF-style: chr2-202519029-C-T. GRCh37 (hg19) VCF-style: chr2-203383752-C-T.
Other names: short protein forms L277F.
Identifiers: ClinVar variation 4804573 (VCV004804573.1).

ClinVar aggregate classification (germline): Uncertain significance (1 of 4 stars; one submission).

Conditions:
Primary pulmonary hypertension. Also called: Idiopathic pulmonary hypertension. Identifiers: MedGen C0152171.

Submission:

Labcorp Genetics (formerly Invitae), Labcorp
Classification: Uncertain significance for Primary pulmonary hypertension. Last evaluated: 2025-08-05. Review status: criteria provided, single submitter. Criteria: Invitae Variant Classification Sherloc (09022015). Collection method: clinical testing. Allele origin: germline.
Comment: This sequence change replaces leucine, which is neutral and non-polar, with phenylalanine, which is neutral and non-polar, at codon 277 of the BMPR2 protein (p.Leu277Phe). This variant is present in population databases (rs768473278, gnomAD 0.005%). This variant has not been reported in the literature in individuals affected with BMPR2-related conditions. Invitae Evidence Modeling of protein sequence and biophysical properties (such as structural, functional, and spatial information, amino acid conservation, physicochemical variation, residue mobility, and thermodynamic stability) has been performed for this missense variant. However, the output from this modeling did not meet the statistical confidence thresholds required to predict the impact of this variant on BMPR2 protein function. In summary, the available evidence is currently insufficient to determine the role of this variant in disease. Therefore, it has been classified as a Variant of Uncertain Significance.